The following is an entry in ClinVar:

ClinVar aggregate classification (germline): Likely benign (1 of 4 stars; one submission).

Conditions:
GLA-related disorder. Also called: GLA-related condition.

gnomAD v4.1: 88 of 707,339 alleles (0.012%); highest among the groups gnomAD compares: South Asian, 0.22%; 1 homozygote.

Submission:

PreventionGenetics, part of Exact Sciences
Classification: Likely benign for GLA-related condition. Last evaluated: 2026-08-03. Review status: criteria provided, single submitter. Criteria: ACMG Guidelines, 2015. Collection method: clinical testing. Allele origin: germline.
Comment: This variant is classified as likely benign based on ACMG/AMP sequence variant interpretation guidelines (Richards et al. 2015 PMID: 25741868, with internal and published modifications).

NC_000023.11:g.101391307G>A

Genes: GLA (galactosidase alpha; minus strand), RPL36A (ribosomal protein L36a; plus strand), RPL36A-HNRNPH2 (RPL36A-HNRNPH2 readthrough; plus strand). Cytogenetic location: Xq22.1.
Variant type: single nucleotide variant.
Molecular consequence: intron variant (on NM_021029.6).
Genome position: GRCh38 VCF-style: chrX-101391307-G-A. GRCh37 (hg19) VCF-style: chrX-100646295-G-A.
Other names: c.4-152G>A (NM_001199973.2, NM_001199974.2, NM_021029.6).
Identifiers: ClinVar variation 4990370 (VCV004990370.1).